The following is an entry in ClinVar:

NM_001199397.3(NEK1):c.213del (p.Glu72fs)

Gene: NEK1 (NIMA related kinase 1; minus strand). Cytogenetic location: 4q33.
Variant type: Deletion.
Coding change: c.213del on transcript NM_001199397.3 (MANE Select); coding-DNA position 213, one base deleted (A; older notation c.213delA).
Protein change: p.Glu72fs; shifts the reading frame from glutamic acid 72.
Molecular consequence: frameshift variant. On other transcripts: non-coding transcript variant (2).
Genome position (GRCh38, 1-based): chr4:169,602,009, T deleted on the plus strand (A on the coding strand, the reverse complement: NEK1 is on the minus strand); the first of 2 consecutive T bases (chr4:169,602,009-169,602,010); deleting either gives the same sequence. VCF-style (leftmost placement, unchanged base first): chr4-169602008-CT-C. GRCh37 (hg19) VCF-style: chr4-170523159-CT-C.
Other names: c.213del, p.Glu72fs (NM_001199398.3, NM_001199399.3, NM_001199400.3 and 7 more transcripts); c.213delA (NM_001199397.3); short protein forms E72fs.
Identifiers: ClinVar variation 1338755 (VCV001338755.2), dbSNP rs2150139071, ClinGen allele CA2573052315.

ClinVar aggregate classification (germline): Pathogenic (0 of 4 stars; one submission).

Conditions:
Short-rib thoracic dysplasia 6 with or without polydactyly (SRTD6). Also called: Majewski Syndrome; SHORT RIB-POLYDACTYLY SYNDROME, TYPE IIA; SHORT-RIB THORACIC DYSPLASIA 6 WITH POLYDACTYLY; SHORT-RIB THORACIC DYSPLASIA 6 WITHOUT POLYDACTYLY; POLYDACTYLY WITH NEONATAL CHONDRODYSTROPHY, TYPE II. Identifiers: MedGen C0024507, MONDO:0009894, OMIM 263520.

Submission:

Institute of Medical Genetics and Genomics, Sir Ganga Ram Hospital
Classification: Pathogenic for Short-rib thoracic dysplasia 6 with or without polydactyly. Last evaluated: 2022-01-30. Review status: no assertion criteria provided. Collection method: clinical testing. Allele origin: germline. Inheritance: Autosomal recessive inheritance. Affected: yes. Observed: 1 homozygote.
Comment: The homozygous frameshift deletion variant c.213delA (p.E72Kfs*6) has not been observed in gnomAD and 1000g. In-silico bioinformatic software predict this variant by mutation taster as Disease causing. Short rib thoracic dysplasia 6 is an autosomal recessive disorder. Based on the phenotypic observation, we classify this variant as pathogenic.